The following is an entry in ClinVar:

ClinVar aggregate classification (germline): Uncertain significance (1 of 4 stars; one submission).

Conditions:
SEMA3D-related disorder. Also called: SEMA3D-related condition.

Submission:

PreventionGenetics, part of Exact Sciences
Classification: Uncertain significance for SEMA3D-related condition. Last evaluated: 2025-03-22. Review status: criteria provided, single submitter. Criteria: ACMG Guidelines, 2015. Collection method: clinical testing. Allele origin: germline.
Comment: The SEMA3D c.1972_1974delAAG variant is predicted to result in an in-frame deletion (p.Lys658del). To our knowledge, this variant has not been reported in the literature. This variant is reported in 0.013% of alleles in individuals of European (Non-Finnish) descent in gnomAD. At this time, the clinical significance of this variant is uncertain due to the absence of conclusive functional and genetic evidence.

NM_001384900.1(SEMA3D):c.1969AAG[1] (p.Lys658del)

Genes: SEMA3D (semaphorin 3D; minus strand), LOC126860094 (BRD4-independent group 4 enhancer GRCh37_chr7:84628763-84629962; plus strand). Cytogenetic location: 7q21.11.
Variant type: Microsatellite.
Coding change: c.1969AAG[1] on transcript NM_001384900.1 (MANE Select); one copy of the 3-base unit AAG starting at c.1969; the reference has two copies in a row; one copy, 3 bases deleted.
Protein change: p.Lys658del; deletes lysine 658.
Molecular consequence: inframe deletion.
Genome position (GRCh38, 1-based): chr7:84,999,800-84,999,802, CTT deleted on the plus strand (AAG on the coding strand, the reverse complement: SEMA3D is on the minus strand); deleting any 3 consecutive bases within chr7:84,999,800-84,999,807 gives the same sequence; the position shown is the placement nearest the transcript's 3' end. VCF-style (leftmost placement, unchanged base first): chr7-84999799-CCTT-C. GRCh37 (hg19) VCF-style: chr7-84629115-CCTT-C.
Other names: c.1969AAG[1], p.Lys658del (NM_001384901.1, NM_001384902.1, NM_001384903.1 and 1 more transcripts); short protein forms K658del.
Identifiers: ClinVar variation 4989377 (VCV004989377.1).